The following is an entry in ClinVar:

NM_004006.3(DMD):c.1602+1G>T

Gene: DMD (dystrophin; minus strand). Cytogenetic location: Xp21.1.
Variant type: single nucleotide variant.
Coding change: c.1602+1G>T on transcript NM_004006.3 (MANE Select); the canonical splice donor site of the intron after coding-DNA position 1602, G replaced by T.
Molecular consequence: splice donor variant.
Genome position (GRCh38, 1-based): chrX:32,595,756, C>A on the plus strand (G>T on the coding strand, the complement: DMD is on the minus strand). VCF-style: chrX-32595756-C-A. GRCh37 (hg19) VCF-style: chrX-32613873-C-A.
Other names: c.1578+1G>T (NM_000109.4); c.1590+1G>T (NM_004009.3); c.1233+1G>T (NM_004010.3).
Identifiers: ClinVar variation 497183 (VCV000497183.15), dbSNP rs1057517960, ClinGen allele CA412665244.

ClinVar aggregate classification (germline): Pathogenic/Likely pathogenic. Review status: criteria provided, multiple submitters, no conflicts (2 of 4 stars). 3 submissions from 3 submitters: Pathogenic (2); Likely pathogenic (1). Last evaluated 2024-01-27.

Conditions:
Duchenne muscular dystrophy (DMD). Also called: MUSCULAR DYSTROPHY, PSEUDOHYPERTROPHIC PROGRESSIVE, DUCHENNE TYPE; Duchenne Muscular Dystrophy (DMD). Identifiers: Orphanet 98896, MedGen C0013264, MONDO:0010679, OMIM 310200.

Submissions (3):

Labcorp Genetics (formerly Invitae), Labcorp
Classification: Pathogenic for Duchenne muscular dystrophy. Last evaluated: 2024-01-27. Review status: criteria provided, single submitter. Criteria: Invitae Variant Classification Sherloc (09022015). Collection method: clinical testing. Allele origin: germline.
Comment: This sequence change affects a donor splice site in intron 13 of the DMD gene. It is expected to disrupt RNA splicing. Variants that disrupt the donor or acceptor splice site typically lead to a loss of protein function (PMID: 16199547), and loss-of-function variants in DMD are known to be pathogenic (PMID: 16770791, 25007885). This variant is not present in population databases (gnomAD no frequency). Disruption of this splice site has been observed in individuals with Becker muscular dystrophy (PMID: 17041906, 19937601). ClinVar contains an entry for this variant (Variation ID: 497183). Algorithms developed to predict the effect of sequence changes on RNA splicing suggest that this variant may disrupt the consensus splice site. For these reasons, this variant has been classified as Pathogenic.

Revvity Omics, Revvity
Classification: Likely pathogenic. Last evaluated: 2022-10-03. Review status: criteria provided, single submitter. Criteria: ACMG Guidelines, 2015. Collection method: clinical testing. Allele origin: germline.

Eurofins Ntd Llc (ga)
Classification: Pathogenic. Last evaluated: 2018-08-21. Review status: criteria provided, single submitter. Criteria: EGL ClinVar v180209 classification definitions. Collection method: clinical testing. Allele origin: germline. Observed: 2 variant alleles, 2 hemizygotes.

Literature cited by the submitters: PubMed 16199547 (cited by Labcorp Genetics (formerly Invitae), Labcorp); PubMed 16770791 (cited by Labcorp Genetics (formerly Invitae), Labcorp); PubMed 25007885 (cited by Labcorp Genetics (formerly Invitae), Labcorp); PubMed 17041906 (cited by Labcorp Genetics (formerly Invitae), Labcorp); PubMed 19937601 (cited by Labcorp Genetics (formerly Invitae), Labcorp).